The following is an entry in ClinVar:

ClinVar aggregate classification (germline): Uncertain significance. Review status: criteria provided, multiple submitters, no conflicts (2 of 4 stars). 2 submissions from 2 submitters: Uncertain significance (2). Last evaluated 2025-05-28.

Conditions:
Usher syndrome type 2C. Also called: Usher syndrome, type 2B; USHER SYNDROME, TYPE IIC. Identifiers: Orphanet 231178, Orphanet 886, MedGen C2931213, MONDO:0011558, OMIM 605472.
Inborn genetic diseases. Identifiers: MedGen C0950123, MeSH D030342.

Submissions (2):

Ambry Genetics
Classification: Uncertain significance for Inborn genetic diseases. Last evaluated: 2025-05-28. Review status: criteria provided, single submitter. Criteria: Ambry Variant Classification Scheme 2023. Collection method: clinical testing. Allele origin: germline.

Ocular Genomics Institute, Massachusetts Eye and Ear
Classification: Uncertain significance for Usher syndrome type 2C. Last evaluated: 2021-04-08. Review status: criteria provided, single submitter. Criteria: ACMG Guidelines, 2015. Collection method: research. Allele origin: germline. Affected: yes.
Comment: Through a review of available evidence we were able to apply the following criteria: PM2. Based on this evidence we have classified this variant as Variant of Uncertian Significance.

NM_032119.4(ADGRV1):c.14494G>A (p.Asp4832Asn)

Gene: ADGRV1 (adhesion G protein-coupled receptor V1; plus strand). Cytogenetic location: 5q14.3.
Variant type: single nucleotide variant.
Coding change: c.14494G>A on transcript NM_032119.4 (MANE Select); coding-DNA position 14494, G replaced by A.
Protein change: p.Asp4832Asn; replaces aspartic acid 4832 with asparagine.
Molecular consequence: missense variant. On other transcripts: non-coding transcript variant (1).
Genome position (GRCh38, 1-based): chr5:90,791,323, G>A. VCF-style: chr5-90791323-G-A. GRCh37 (hg19) VCF-style: chr5-90087140-G-A.
Other names: short protein forms D4832N.
Identifiers: ClinVar variation 1064759 (VCV001064759.2), dbSNP rs2150136010, ClinGen allele CA360402191.